The following is an entry in ClinVar:

NM_001379200.1(TBX1):c.1375_1386dup (p.His462_His463insAlaHisProHis)

Gene: TBX1 (T-box transcription factor 1; plus strand). Cytogenetic location: 22q11.21.
Variant type: Duplication.
Coding change: c.1375_1386dup on transcript NM_001379200.1 (MANE Select); coding-DNA positions 1375 to 1386, 12 bases duplicated (GCGCATCCGCAC).
Protein change: p.His462_His463insAlaHisProHis.
Molecular consequence: inframe insertion. On other transcripts: intron variant (2).
Genome position (GRCh38, 1-based): chr22:19,766,727-19,766,738, GCGCATCCGCAC duplicated; duplicating any 12 consecutive bases within chr22:19,766,721-19,766,738 gives the same sequence; the c. name uses the placement nearest the transcript's 3' end. VCF-style (leftmost placement, unchanged base first): chr22-19766720-C-CCCGCACGCGCAT. GRCh37 (hg19) VCF-style: chr22-19754243-C-CCCGCACGCGCAT.
Other names: c.1348_1359dup, p.His453_His454insAlaHisProHis (NM_080647.1); c.1009+725_1009+736dup (NM_005992.1, NM_080646.2).
Identifiers: ClinVar variation 2170877 (VCV002170877.5), dbSNP rs1341195668, ClinGen allele CA638504357.
Genomic context (GRCh38, chr22:19,766,720, plus strand): 5'-CGGGGCCAAGAGCCGGCCGGCGCCCTACCCGCTGCCCGGCCTGCGTGGCCACGGCTACCA[C>CCCGCACGCGCAT]CCGCACGCGCATCCGCACCACCACCACCACCCCGTGAGTCCAGCCGCCGCGGCCGCCGCC-3'

ClinVar aggregate classification (germline): Uncertain significance. Review status: criteria provided, multiple submitters, no conflicts (2 of 4 stars). 2 submissions from 2 submitters: Uncertain significance (2). Last evaluated 2024-09-23.

Conditions:
DiGeorge syndrome. Also called: THIRD AND FOURTH PHARYNGEAL POUCH SYNDROME; Catch22. Identifiers: Orphanet 567, MedGen C0012236, MONDO:0008564, OMIM 188400.

Submissions (2):

GeneDx
Classification: Uncertain significance. Last evaluated: 2024-09-23. Review status: criteria provided, single submitter. Criteria: GeneDx Variant Classification Process June 2021. Collection method: clinical testing. Allele origin: germline. Affected: yes.
Comment: In-frame duplication of 4 amino acids in a non-repeat region; Has not been previously published as pathogenic or benign to our knowledge

Labcorp Genetics (formerly Invitae), Labcorp
Classification: Uncertain significance for DiGeorge syndrome. Last evaluated: 2022-09-01. Review status: criteria provided, single submitter. Criteria: Invitae Variant Classification Sherloc (09022015). Collection method: clinical testing. Allele origin: germline.
Comment: This variant, c.1348_1359dup, results in the insertion of 4 amino acid(s) of the TBX1 protein (p.Ala450_His453dup), but otherwise preserves the integrity of the reading frame. This variant is present in population databases (no rsID available, gnomAD 0.06%). This variant has not been reported in the literature in individuals affected with TBX1-related conditions. In summary, the available evidence is currently insufficient to determine the role of this variant in disease. Therefore, it has been classified as a Variant of Uncertain Significance.